The following is an entry in ClinVar:

ClinVar aggregate classification (germline): Uncertain significance. Review status: criteria provided, multiple submitters, no conflicts (2 of 4 stars). 3 submissions from 3 submitters: Uncertain significance (3). Last evaluated 2024-12-02.

Conditions:
Connective tissue disorder. Also called: Connective tissue disease. Identifiers: MedGen C0009782, MONDO:0003900.
Inborn genetic diseases. Identifiers: MedGen C0950123, MeSH D030342.

Allele frequency attached by ClinVar (database versions not stated): ExAC 0.00002; gnomAD exomes 0.00007.
gnomAD v4.1: 103 of 1,613,586 alleles (0.0064%); highest among the groups gnomAD compares: Non-Finnish European, 0.008%; no homozygotes.

Submissions (3):

GeneDx
Classification: Uncertain significance. Last evaluated: 2024-12-02. Review status: criteria provided, single submitter. Criteria: GeneDx Variant Classification Process June 2021. Collection method: clinical testing. Allele origin: germline. Affected: yes.
Comment: In silico analysis supports that this missense variant has a deleterious effect on protein structure/function; Has not been previously published as pathogenic or benign to our knowledge

Ambry Genetics
Classification: Uncertain significance for Inborn genetic diseases. Last evaluated: 2024-06-26. Review status: criteria provided, single submitter. Criteria: Ambry Variant Classification Scheme 2023. Collection method: clinical testing. Allele origin: germline.

Genome Diagnostics Laboratory, The Hospital for Sick Children
Classification: Uncertain significance for Connective tissue disorder. Last evaluated: 2021-11-16. Review status: criteria provided, single submitter. Criteria: ACMG Guidelines, 2015. Collection method: clinical testing. Allele origin: germline.

NM_001127671.2(LIFR):c.1547T>C (p.Phe516Ser)

Gene: LIFR (LIF receptor subunit alpha; minus strand). Cytogenetic location: 5p13.1.
Variant type: single nucleotide variant.
Coding change: c.1547T>C on transcript NM_001127671.2 (MANE Select); coding-DNA position 1547, T replaced by C.
Protein change: p.Phe516Ser; replaces phenylalanine 516 with serine.
Molecular consequence: missense variant.
Genome position (GRCh38, 1-based): chr5:38,502,690, A>G on the plus strand (T>C on the coding strand, the complement: LIFR is on the minus strand). VCF-style: chr5-38502690-A-G. GRCh37 (hg19) VCF-style: chr5-38502792-A-G.
Other names: c.1547T>C, p.Phe516Ser (NM_001364297.2, NM_001364298.2, NM_002310.6); short protein forms F516S.
Identifiers: ClinVar variation 1702456 (VCV001702456.5), dbSNP rs766255111, ClinGen allele CA3242910.